The following is an entry in ClinVar:

ClinVar aggregate classification (germline): Pathogenic. Review status: criteria provided, single submitter (1 of 4 stars). 3 submissions from 3 submitters: Pathogenic (1). 2 of the submissions do not count toward it. Last evaluated 2023-09-28.

Conditions:
Autosomal recessive ataxia due to ubiquinone deficiency. Also called: Coenzyme Q10 deficiency, primary, 4; SPINOCEREBELLAR ATAXIA, AUTOSOMAL RECESSIVE 9. Identifiers: Orphanet 139485, MedGen C2677589, MONDO:0012784, OMIM 612016.

Submissions (3):

GeneDx
Classification: Pathogenic. Last evaluated: 2023-09-28. Review status: criteria provided, single submitter. Criteria: GeneDx Variant Classification Process June 2021. Collection method: clinical testing. Allele origin: germline. Affected: yes.
Comment: Canonical splice site variant demonstrated to result in a null allele in a gene for which loss of function is a known mechanism of disease (Lagier-Tourenne et al., 2008); Not observed at significant frequency in large population cohorts (gnomAD); This variant is associated with the following publications: (PMID: 20495179, 18319074)

OMIM
Classification: Pathogenic for COENZYME Q10 DEFICIENCY, PRIMARY, 4. Last evaluated: 2010-10-01. Review status: no assertion criteria provided. Collection method: literature only. Allele origin: germline. Not counted in ClinVar's aggregate classification.

GeneReviews
No classification provided. Condition: Autosomal recessive ataxia due to ubiquinone deficiency. Review status: no classification provided. Collection method: literature only. Allele origin: germline. Not counted in ClinVar's aggregate classification.
Comment: Results in the formation of at least two different abnormal splicing variants.

Literature cited by the submitters: PubMed 18319074 (cited by OMIM and GeneReviews); PubMed 20495179 (cited by OMIM); NCBI Bookshelf NBK410087 (cited by GeneReviews).

NM_020247.5(COQ8A):c.1398+2T>C

Gene: COQ8A (coenzyme Q8A; plus strand). Cytogenetic location: 1q42.13.
Variant type: single nucleotide variant.
Coding change: c.1398+2T>C on transcript NM_020247.5 (MANE Select); the canonical splice donor site of the intron after coding-DNA position 1398, T replaced by C.
Molecular consequence: splice donor variant.
Genome position (GRCh38, 1-based): chr1:226,984,237, T>C. VCF-style: chr1-226984237-T-C. GRCh37 (hg19) VCF-style: chr1-227171938-T-C.
Other names: IVS11DS, T-C, +2.
Identifiers: ClinVar variation 3641 (VCV000003641.3), dbSNP rs606231138, ClinGen allele CA116404.